The following is an entry in ClinVar:

NM_000038.6(APC):c.6189_6190del (p.His2063fs)

Gene: APC (APC regulator of Wnt signaling pathway; plus strand). Cytogenetic location: 5q22.2.
Variant type: Deletion.
Coding change: c.6189_6190del on transcript NM_000038.6 (MANE Select); coding-DNA positions 6189 to 6190, 2 bases deleted (TA; older notation c.6189_6190delTA).
Protein change: p.His2063fs; shifts the reading frame from histidine 2063.
Molecular consequence: frameshift variant.
Genome position (GRCh38, 1-based): chr5:112,841,783-112,841,784, TA deleted; deleting any 2 consecutive bases within chr5:112,841,782-112,841,784 gives the same sequence; the c. name uses the placement nearest the transcript's 3' end. VCF-style (leftmost placement, unchanged base first): chr5-112841781-CAT-C. GRCh37 (hg19) VCF-style: chr5-112177478-CAT-C.
Other names: c.6189_6190del, p.His2063fs (NM_001127510.3, NM_001354895.2); c.6135_6136del, p.His2045fs (NM_001127511.3); c.6243_6244del, p.His2081fs (NM_001354896.2); c.6219_6220del, p.His2073fs (NM_001354897.2); c.6114_6115del, p.His2038fs (NM_001354898.2); c.6105_6106del, p.His2035fs (NM_001354899.2); c.6066_6067del, p.His2022fs (NM_001354900.2); c.6012_6013del, p.His2004fs (NM_001354901.2); and 5 more; short protein forms H1903fs, H1962fs, H2073fs, H2081fs, H2004fs, H2063fs, H1780fs, H2022fs.
Identifiers: ClinVar variation 1456641 (VCV001456641.10), dbSNP rs2149959261, ClinGen allele CA2573138690.

ClinVar aggregate classification (germline): Pathogenic. Review status: criteria provided, multiple submitters, no conflicts (2 of 4 stars). 4 submissions from 4 submitters: Pathogenic (4). Last evaluated 2024-03-04.

Conditions:
Hereditary cancer-predisposing syndrome. Also called: Neoplastic Syndromes, Hereditary; Hereditary Cancer Syndrome; Hereditary neoplastic syndrome; Tumor predisposition. Identifiers: Orphanet 140162, MedGen C0027672, MeSH D009386, MONDO:0015356.
Classic or attenuated familial adenomatous polyposis. Identifiers: MedGen CN372698, MONDO:0021057.
Familial adenomatous polyposis 1 (FAP1). Also called: POLYPOSIS, ADENOMATOUS INTESTINAL; FAMILIAL ADENOMATOUS POLYPOSIS 1, ATTENUATED. Identifiers: MedGen C2713442, MONDO:0021056, OMIM 175100. Disease mechanism: loss of function.

Submissions (4):

Ambry Genetics
Classification: Pathogenic for Hereditary cancer-predisposing syndrome. Last evaluated: 2024-03-04. Review status: criteria provided, single submitter. Criteria: Ambry Variant Classification Scheme 2023. Collection method: clinical testing. Allele origin: germline.
Comment: The c.6189_6190delTA (p.H2063Qfs*11) alteration, located in exon 16 (coding exon 15) of the APC gene, consists of a deletion of 2 nucleotides from position 6189 to 6190, causing a translational frameshift with a predicted alternate stop codon after 11 amino acids. This alteration occurs at the 3' terminus of the APC gene, is not expected to trigger nonsense-mediated mRNA decay, and impacts the last 781 amino acids of the protein. However, premature stop codons are typically deleterious in nature and the impacted region is critical for protein function (Ambry internal data). This variant was not reported in population-based cohorts in the Genome Aggregation Database (gnomAD). Based on the available evidence, this alteration is classified as pathogenic.

Myriad Genetics, Inc.
Classification: Pathogenic for Familial adenomatous polyposis 1. Last evaluated: 2023-05-15. Review status: criteria provided, single submitter. Criteria: Myriad Autosomal Dominant, Autosomal Recessive and X-Linked Classification Criteria (2023). Collection method: clinical testing. Allele origin: unknown.
Comment: This variant is considered pathogenic. This variant creates a frameshift predicted to result in premature protein truncation.

Labcorp Genetics (formerly Invitae), Labcorp
Classification: Pathogenic for Familial adenomatous polyposis 1. Last evaluated: 2022-07-21. Review status: criteria provided, single submitter. Criteria: Invitae Variant Classification Sherloc (09022015). Collection method: clinical testing. Allele origin: germline.
Comment: For these reasons, this variant has been classified as Pathogenic. A different truncation (p.Tyr2645Lysfs*14) that lies downstream of this variant has been determined to be pathogenic (PMID: 9824584, 1316610, 27081525, 8381579, 22135120, Invitae). This suggests that deletion of this region of the APC protein is causative of disease. This variant is expected to disrupt the EB1 and HDLG binding sites, which mediate interactions with the cytoskeleton (PMID: 15311282, 17293347). While functional studies have not been performed to directly test the effect on APC protein function, this suggests that disruption of the C-terminal portion of the protein is functionally important. ClinVar contains an entry for this variant (Variation ID: 1456641). This premature translational stop signal has been observed in individual(s) with APC-related conditions (PMID: 21520333). This variant is not present in population databases (gnomAD no frequency). This sequence change creates a premature translational stop signal (p.His2063Glnfs*11) in the APC gene. While this is not anticipated to result in nonsense mediated decay, it is expected to disrupt the last 781 amino acid(s) of the APC protein.

Department of Pathology and Laboratory Medicine, Sinai Health System
Classification: Pathogenic for classic or attenuated familial adenomatous polyposis. Last evaluated: 2020-12-02. Review status: criteria provided, single submitter. Criteria: ACMG Guidelines, 2015. Collection method: clinical testing. Allele origin: germline.

Literature cited by the submitters: PubMed 9824584 (cited by Labcorp Genetics (formerly Invitae), Labcorp); PubMed 1316610 (cited by Labcorp Genetics (formerly Invitae), Labcorp); PubMed 27081525 (cited by Labcorp Genetics (formerly Invitae), Labcorp); PubMed 8381579 (cited by Labcorp Genetics (formerly Invitae), Labcorp); PubMed 22135120 (cited by Labcorp Genetics (formerly Invitae), Labcorp); PubMed 15311282 (cited by Labcorp Genetics (formerly Invitae), Labcorp); PubMed 17293347 (cited by Labcorp Genetics (formerly Invitae), Labcorp); PubMed 21520333 (cited by Labcorp Genetics (formerly Invitae), Labcorp).